The following is an entry in ClinVar:

NM_001184880.2(PCDH19):c.1526A>G (p.Asn509Ser)

Gene: PCDH19 (protocadherin 19; minus strand). Cytogenetic location: Xq22.1.
Variant type: single nucleotide variant.
Coding change: c.1526A>G on transcript NM_001184880.2 (MANE Select); coding-DNA position 1526, A replaced by G.
Protein change: p.Asn509Ser; replaces asparagine 509 with serine.
Molecular consequence: missense variant.
Genome position (GRCh38, 1-based): chrX:100,407,072, T>C on the plus strand (A>G on the coding strand, the complement: PCDH19 is on the minus strand). VCF-style: chrX-100407072-T-C. GRCh37 (hg19) VCF-style: chrX-99662070-T-C.
Other names: c.1526A>G, p.Asn509Ser (NM_001105243.2, NM_020766.3); short protein forms N509S.
Identifiers: ClinVar variation 1021969 (VCV001021969.10), dbSNP rs1928381502, ClinGen allele CA414002535.

ClinVar aggregate classification (germline): Uncertain significance. Review status: criteria provided, multiple submitters, no conflicts (2 of 4 stars). 3 submissions from 3 submitters: Uncertain significance (2). 1 of the submissions does not count toward it. Last evaluated 2024-03-27.

Conditions:
Developmental and epileptic encephalopathy, 9 (DEE9). Also called: Early infantile epileptic encephalopathy 9; EPILEPSY, FEMALE-RESTRICTED, WITH MENTAL RETARDATION; JUBERG-HELLMAN SYNDROME; PCDH19-Related X-Linked Female-Limited Epilepsy with Mental Retardation. Identifiers: Orphanet 101039, Orphanet 2076, MedGen C1848137, MONDO:0010246, OMIM 300088. Disease mechanism: loss of function.
Abnormal cerebral morphology. Also called: Abnormality of the cerebrum. Identifiers: MedGen C4021762, HP:0002060.

Allele frequency attached by ClinVar (database versions not stated): gnomAD exomes below 0.00001.
gnomAD v4.1: 3 of 1,211,448 alleles (0.00025%); highest among the groups gnomAD compares: African/African-American, 0.0017%; no homozygotes.

Submissions (3):

Fulgent Genetics
Classification: Uncertain significance for Developmental and epileptic encephalopathy, 9. Last evaluated: 2024-03-27. Review status: criteria provided, single submitter. Criteria: ACMG Guidelines, 2015. Collection method: clinical testing. Allele origin: germline.

Labcorp Genetics (formerly Invitae), Labcorp
Classification: Uncertain significance for Developmental and epileptic encephalopathy, 9. Last evaluated: 2021-08-15. Review status: criteria provided, single submitter. Criteria: Invitae Variant Classification Sherloc (09022015). Collection method: clinical testing. Allele origin: germline.
Comment: This sequence change replaces asparagine with serine at codon 509 of the PCDH19 protein (p.Asn509Ser). The asparagine residue is highly conserved and there is a small physicochemical difference between asparagine and serine. This variant is not present in population databases (ExAC no frequency). This variant has been observed in individual(s) with juvenile myoclonic epilepsy (PMID: 26704558). Algorithms developed to predict the effect of missense changes on protein structure and function (SIFT, PolyPhen-2, Align-GVGD) all suggest that this variant is likely to be disruptive, but these predictions have not been confirmed by published functional studies and their clinical significance is uncertain. Algorithms developed to predict the effect of sequence changes on RNA splicing suggest that this variant may create or strengthen a splice site, but this prediction has not been confirmed by published transcriptional studies. In summary, the available evidence is currently insufficient to determine the role of this variant in disease. Therefore, it has been classified as a Variant of Uncertain Significance.

Diagnostic Laboratory, Strasbourg University Hospital
Classification: Uncertain significance for Abnormal cerebral morphology. Review status: no assertion criteria provided. Collection method: clinical testing. Allele origin: maternal. Affected: yes. Observed: 1 heterozygote. Not counted in ClinVar's aggregate classification.

Literature cited by the submitters: PubMed 26704558 (cited by Labcorp Genetics (formerly Invitae), Labcorp).